The following is an entry in ClinVar:

NM_000540.3(RYR1):c.9556C>T (p.Leu3186Phe)

Gene: RYR1 (ryanodine receptor 1; plus strand). Cytogenetic location: 19q13.2.
Variant type: single nucleotide variant.
Coding change: c.9556C>T on transcript NM_000540.3 (MANE Select); coding-DNA position 9556, C replaced by T.
Protein change: p.Leu3186Phe; replaces leucine 3186 with phenylalanine.
Molecular consequence: missense variant.
Genome position (GRCh38, 1-based): chr19:38,516,088, C>T. VCF-style: chr19-38516088-C-T. GRCh37 (hg19) VCF-style: chr19-39006728-C-T.
Other names: p.Leu3186Phe; c.9556C>T, p.Leu3186Phe (NM_001042723.2); short protein forms L3186F.
Identifiers: ClinVar variation 2683498 (VCV002683498.1), dbSNP rs2514425211, ClinGen allele CA405689935.

ClinVar aggregate classification (germline): Uncertain significance (1 of 4 stars; one submission).

Allele frequency attached by ClinVar (database versions not stated): gnomAD exomes 0.00001.
gnomAD v4.1: 10 of 1,548,336 alleles (0.00065%); highest among the groups gnomAD compares: Non-Finnish European, 0.00087%; no homozygotes.

Submission:

Mayo Clinic Laboratories, Mayo Clinic
Classification: Uncertain significance. Last evaluated: 2022-05-16. Review status: criteria provided, single submitter. Criteria: ACMG Guidelines, 2015. Collection method: clinical testing. Allele origin: germline. Observed: 1 variant allele.
Comment: PM2